The following is an entry in ClinVar:

NM_015909.4(NBAS):c.3548A>G (p.Asn1183Ser)

Gene: NBAS (NBAS subunit of NRZ tethering complex; minus strand). Cytogenetic location: 2p24.3.
Variant type: single nucleotide variant.
Coding change: c.3548A>G on transcript NM_015909.4 (MANE Select); coding-DNA position 3548, A replaced by G.
Protein change: p.Asn1183Ser; replaces asparagine 1183 with serine.
Molecular consequence: missense variant. On other transcripts: non-coding transcript variant (1).
Genome position (GRCh38, 1-based): chr2:15,379,644, T>C on the plus strand (A>G on the coding strand, the complement: NBAS is on the minus strand). VCF-style: chr2-15379644-T-C. GRCh37 (hg19) VCF-style: chr2-15519768-T-C.
Other names: c.3548A>G (NM_015909.2); short protein forms N1183S.
Identifiers: ClinVar variation 2079642 (VCV002079642.2), dbSNP rs748219133, ClinGen allele CA1536001.

ClinVar aggregate classification (germline): Uncertain significance. Review status: criteria provided, multiple submitters, no conflicts (2 of 4 stars). 2 submissions from 2 submitters: Uncertain significance (2). Last evaluated 2025-07-15.

Conditions:
Inborn genetic diseases. Identifiers: MedGen C0950123, MeSH D030342.

Allele frequency attached by ClinVar (database versions not stated): gnomAD exomes 0.00001; TOPMed 0.00001; ExAC 0.00002; gnomAD 0.00002.
gnomAD v4.1: 23 of 1,613,832 alleles (0.0014%); highest among the groups gnomAD compares: Middle Eastern, 0.016%; no homozygotes.

Submissions (2):

Ambry Genetics
Classification: Uncertain significance for Inborn genetic diseases. Last evaluated: 2025-07-15. Review status: criteria provided, single submitter. Criteria: Ambry Variant Classification Scheme 2023. Collection method: clinical testing. Allele origin: germline.

Labcorp Genetics (formerly Invitae), Labcorp
Classification: Uncertain significance. Last evaluated: 2022-07-12. Review status: criteria provided, single submitter. Criteria: Invitae Variant Classification Sherloc (09022015). Collection method: clinical testing. Allele origin: germline.
Comment: This sequence change replaces asparagine, which is neutral and polar, with serine, which is neutral and polar, at codon 1183 of the NBAS protein (p.Asn1183Ser). This variant is present in population databases (rs748219133, gnomAD 0.003%). This variant has not been reported in the literature in individuals affected with NBAS-related conditions. Algorithms developed to predict the effect of missense changes on protein structure and function (SIFT, PolyPhen-2, Align-GVGD) all suggest that this variant is likely to be disruptive. In summary, the available evidence is currently insufficient to determine the role of this variant in disease. Therefore, it has been classified as a Variant of Uncertain Significance.